The following is an entry in ClinVar:

ClinVar aggregate classification (germline): not provided (0 of 4 stars; one submission).

Conditions:
Normal pregnancy. Identifiers: MedGen C0232989.

Submission:

Institute of Molecular and Cell Biology, University of Tartu
No classification provided. Condition: Normal pregnancy. Review status: no classification provided. Collection method: case-control. Allele origin: unknown. Affected: yes. Study: Kasak2014.
Comment: The study aimed to determine the contribution of copy number variants in the genetic etiology of normal and complicated pregnancies. The samples represented (i) maternal blood DNA drawn from healthy pregnant women during 1st or 2nd trimester and (ii) maternal and paternal blood DNA drawn at term pregnancy cases representing normal and complicated gestations (severe preeclampsia, PE; gestational diabetes, GD; small-for-gestational age newborn, SGA; large-for-gestational age newborn, LGA). We performed CNV calling based on genome-wide genotyping dataset (Illumina HumanOmniExpress-24-v1 BeadChip) by applying three algorithms, QuantiSNP, GADA (Genome Alteration Detection Algorithm) and CNstream in parallel. The acquired CNV calls were merged with HD-CNV (Hotspot Detector for Copy Number Variants) program and only the CNVs predicted by at least two programs, were considered in subsequent analysis.

Literature cited by the submitters: PubMed 25666259.

NM_006765.3(TUSC3):c.-2796_138+12173del

Gene: TUSC3 (tumor suppressor candidate 3; plus strand). Cytogenetic location: 8p22.
Variant type: Deletion.
Coding change: c.-2796_138+12173del on transcript NM_006765.3; 2796 bases upstream of the start codon through 12173 bases into the intron after coding-DNA position 138, this stretch deleted.
Identifiers: ClinVar variation 157099 (VCV000157099.2).